The following is an entry in ClinVar:

NM_002880.4(RAF1):c.1338T>G (p.Ile446Met)

Gene: RAF1 (Raf-1 proto-oncogene, serine/threonine kinase; minus strand). Cytogenetic location: 3p25.2.
Variant type: single nucleotide variant.
Coding change: c.1338T>G on transcript NM_002880.4 (MANE Select); coding-DNA position 1338, T replaced by G.
Protein change: p.Ile446Met; replaces isoleucine 446 with methionine.
Molecular consequence: missense variant. On other transcripts: non-coding transcript variant (3).
Genome position (GRCh38, 1-based): chr3:12,590,830, A>C on the plus strand (T>G on the coding strand, the complement: RAF1 is on the minus strand). VCF-style: chr3-12590830-A-C. GRCh37 (hg19) VCF-style: chr3-12632329-A-C.
Other names: c.1398T>G, p.Ile466Met (NM_001354689.3); c.1338T>G, p.Ile446Met (NM_001354690.3); c.1095T>G, p.Ile365Met (NM_001354691.3, NM_001354692.3); c.1239T>G, p.Ile413Met (NM_001354693.3); c.1155T>G, p.Ile385Met (NM_001354694.3); c.996T>G, p.Ile332Met (NM_001354695.3); short protein forms I365M, I332M, I413M, I466M, I385M, I446M.
Identifiers: ClinVar variation 1945385 (VCV001945385.29), dbSNP rs374848187, ClinGen allele CA2259537.

ClinVar aggregate classification (germline): Uncertain significance. Review status: criteria provided, multiple submitters, no conflicts (2 of 4 stars). 3 submissions from 3 submitters: Uncertain significance (3). Last evaluated 2025-12-01.

Conditions:
RASopathy. Also called: rasopathies; Noonan spectrum disorder. Identifiers: Orphanet 536391, MedGen C5555857, MONDO:0021060.
Cardiovascular phenotype. Identifiers: MedGen CN230736.

Allele frequency attached by ClinVar (database versions not stated): ExAC 0.00001; ESP Exome Variant Server 0.00008.
gnomAD v4.1: 4 of 1,613,974 alleles (0.00025%); highest among the groups gnomAD compares: Non-Finnish European, 0.00017%; no homozygotes.

Submissions (3):

Labcorp Genetics (formerly Invitae), Labcorp
Classification: Uncertain significance for RASopathy. Last evaluated: 2025-12-01. Review status: criteria provided, single submitter. Criteria: Invitae Variant Classification Sherloc (09022015). Collection method: clinical testing. Allele origin: germline.
Comment: This sequence change replaces isoleucine, which is neutral and non-polar, with methionine, which is neutral and non-polar, at codon 446 of the RAF1 protein (p.Ile446Met). This variant is present in population databases (rs374848187, gnomAD 0.009%). This variant has not been reported in the literature in individuals affected with RAF1-related conditions. ClinVar contains an entry for this variant (Variation ID: 1945385). Invitae Evidence Modeling incorporating data from in vitro experimental studies (internal data) indicates that this missense variant is not expected to disrupt RAF1 function with a negative predictive value of 95%. In summary, the available evidence is currently insufficient to determine the role of this variant in disease. Therefore, it has been classified as a Variant of Uncertain Significance.

Ambry Genetics
Classification: Uncertain significance for Cardiovascular phenotype. Last evaluated: 2025-09-22. Review status: criteria provided, single submitter. Criteria: Ambry Variant Classification Scheme 2023. Collection method: clinical testing. Allele origin: germline.

CeGaT Center for Human Genetics Tuebingen
Classification: Uncertain significance. Last evaluated: 2022-09-01. Review status: criteria provided, single submitter. Criteria: CeGaT Center For Human Genetics Tuebingen Variant Classification Criteria Version 2. Collection method: clinical testing. Allele origin: germline. Affected: yes. Observed: 1 variant allele.
Comment: RAF1: PP3